The following is an entry in ClinVar:

NM_007194.4(CHEK2):c.765G>T (p.Lys255Asn)

Gene: CHEK2 (checkpoint kinase 2; minus strand). Cytogenetic location: 22q12.1.
Variant type: single nucleotide variant.
Coding change: c.765G>T on transcript NM_007194.4 (MANE Select); coding-DNA position 765, G replaced by T.
Protein change: p.Lys255Asn; replaces lysine 255 with asparagine.
Molecular consequence: missense variant.
Genome position (GRCh38, 1-based): chr22:28,711,936, C>A on the plus strand (G>T on the coding strand, the complement: CHEK2 is on the minus strand). VCF-style: chr22-28711936-C-A. GRCh37 (hg19) VCF-style: chr22-29107924-C-A.
Other names: c.894G>T, p.Lys298Asn (NM_001005735.3); c.102G>T, p.Lys34Asn (NM_001257387.3); c.564G>T, p.Lys188Asn (NM_001349956.3); c.765G>T, p.Lys255Asn (NM_145862.3); short protein forms K255N, K188N, K34N, K298N.
Identifiers: ClinVar variation 479567 (VCV000479567.7), dbSNP rs750596640, ClinGen allele CA411103140.

ClinVar aggregate classification (germline): Likely benign. Review status: criteria provided, single submitter (1 of 4 stars). 2 submissions from 2 submitters: Likely benign (1). 1 of the submissions does not count toward it. Last evaluated 2024-10-15.

Conditions:
Hereditary cancer-predisposing syndrome. Also called: Hereditary Cancer Syndrome; Neoplastic Syndromes, Hereditary; Tumor predisposition; Hereditary neoplastic syndrome. Identifiers: Orphanet 140162, MedGen C0027672, MeSH D009386, MONDO:0015356.

Submissions (2):

Ambry Genetics
Classification: Likely benign for Hereditary cancer-predisposing syndrome. Last evaluated: 2024-10-15. Review status: criteria provided, single submitter. Criteria: Ambry Variant Classification Scheme 2023. Collection method: clinical testing. Allele origin: germline.

Department of Pathology and Laboratory Medicine, Sinai Health System
Classification: Uncertain significance. Review status: no assertion criteria provided. Collection method: clinical testing. Allele origin: unknown. Affected: yes. Observed: 1 variant allele. Study: The Canadian Open Genetics Repository (COGR). Not counted in ClinVar's aggregate classification.
Comment: The CHEK2 p.Lys255Asn variant was not identified in the literature nor was it identified in the dbSBP, ClinVar, Cosmic, MutDB, Zhejiang Colon Cancer Database, databases. The variant was not identified in the 1000 Genomes Project, the NHLBI GO Exome Sequencing Project or the Exome Aggregation Consortium (August 8th 2016) control databases. The p.Lys255Asn residue is not conserved in mammals and computational analyses (PolyPhen-2, SIFT, AlignGVGD, BLOSUM, MutationTaster) do not suggest a high likelihood of impact to the protein; however, this information is not predictive enough to rule out pathogenicity. The variant occurs outside of the splicing consensus sequence and in silico or computational prediction software programs (SpliceSiteFinder, MaxEntScan, NNSPLICE, GeneSplicer, HumanSpliceFinder) do not predict a difference in splicing. The variant is located within protein kinase (catalytic) functional domains, increasing the likelihood that it may have clinical significance. In summary, based on the above information the clinical significance of this variant cannot be determined with certainty at this time. This variant is classified as a variant of uncertain significance.

Literature cited by the submitters: PubMed 32885271 (cited by Ambry Genetics).